The following is an entry in ClinVar:

NM_002076.4(GNS):c.812G>A (p.Arg271Lys)

Gene: GNS (glucosamine (N-acetyl)-6-sulfatase; minus strand). Cytogenetic location: 12q14.3.
Variant type: single nucleotide variant.
Coding change: c.812G>A on transcript NM_002076.4 (MANE Select); coding-DNA position 812, G replaced by A.
Protein change: p.Arg271Lys; replaces arginine 271 with lysine.
Molecular consequence: missense variant.
Genome position (GRCh38, 1-based): chr12:64,740,669, C>T on the plus strand (G>A on the coding strand, the complement: GNS is on the minus strand). VCF-style: chr12-64740669-C-T. GRCh37 (hg19) VCF-style: chr12-65134449-C-T.
Other names: short protein forms R271K.
Identifiers: ClinVar variation 1908059 (VCV001908059.5), dbSNP rs750298530, ClinGen allele CA6669827.

ClinVar aggregate classification (germline): Uncertain significance (1 of 4 stars; one submission).

Conditions:
Mucopolysaccharidosis, MPS-III-D (MPS3D). Also called: MUCOPOLYSACCHARIDOSIS, TYPE IIID; N-ACETYLGLUCOSAMINE-6-SULFATASE DEFICIENCY; SANFILIPPO SYNDROME D; MPS III D; Mucopoly-saccharidosis type 3D; N-acetylglucosamine-6-sulfate sulfatase deficiency. Identifiers: Orphanet 581, Orphanet 79272, MedGen C0086650, MONDO:0009658, OMIM 252940.

Allele frequency attached by ClinVar (database versions not stated): TOPMed below 0.00001; ExAC 0.00001; gnomAD 0.00001.
gnomAD v4.1: 1 of 1,573,342 alleles (0.000064%); highest among the groups gnomAD compares: Non-Finnish European, 0.000087%; no homozygotes.

Submission:

Labcorp Genetics (formerly Invitae), Labcorp
Classification: Uncertain significance for Mucopolysaccharidosis, MPS-III-D. Last evaluated: 2022-08-09. Review status: criteria provided, single submitter. Criteria: Invitae Variant Classification Sherloc (09022015). Collection method: clinical testing. Allele origin: germline.
Comment: In summary, the available evidence is currently insufficient to determine the role of this variant in disease. Therefore, it has been classified as a Variant of Uncertain Significance. Algorithms developed to predict the effect of sequence changes on RNA splicing suggest that this variant may create or strengthen a splice site. Algorithms developed to predict the effect of missense changes on protein structure and function (SIFT, PolyPhen-2, Align-GVGD) all suggest that this variant is likely to be disruptive. This variant has not been reported in the literature in individuals affected with GNS-related conditions. This variant is present in population databases (rs750298530, gnomAD 0.0009%). This sequence change replaces arginine, which is basic and polar, with lysine, which is basic and polar, at codon 271 of the GNS protein (p.Arg271Lys).